The following is an entry in ClinVar:

ClinVar aggregate classification (germline): Uncertain significance (1 of 4 stars; one submission).

Submission:

Labcorp Genetics (formerly Invitae), Labcorp
Classification: Uncertain significance. Last evaluated: 2024-03-01. Review status: criteria provided, single submitter. Criteria: Invitae Variant Classification Sherloc (09022015). Collection method: clinical testing. Allele origin: germline.
Comment: This sequence change replaces leucine, which is neutral and non-polar, with valine, which is neutral and non-polar, at codon 935 of the SNRNP200 protein (p.Leu935Val). This variant is not present in population databases (gnomAD no frequency). This variant has not been reported in the literature in individuals affected with SNRNP200-related conditions. Advanced modeling of protein sequence and biophysical properties (such as structural, functional, and spatial information, amino acid conservation, physicochemical variation, residue mobility, and thermodynamic stability) performed at Invitae indicates that this missense variant is not expected to disrupt SNRNP200 protein function with a negative predictive value of 80%. In summary, the available evidence is currently insufficient to determine the role of this variant in disease. Therefore, it has been classified as a Variant of Uncertain Significance.

NM_014014.5(SNRNP200):c.2803C>G (p.Leu935Val)

Gene: SNRNP200 (small nuclear ribonucleoprotein U5 subunit 200; minus strand). Cytogenetic location: 2q11.2.
Variant type: single nucleotide variant.
Coding change: c.2803C>G on transcript NM_014014.5 (MANE Select); coding-DNA position 2803, C replaced by G.
Protein change: p.Leu935Val; replaces leucine 935 with valine.
Molecular consequence: missense variant.
Genome position (GRCh38, 1-based): chr2:96,289,936, G>C on the plus strand (C>G on the coding strand, the complement: SNRNP200 is on the minus strand). VCF-style: chr2-96289936-G-C. GRCh37 (hg19) VCF-style: chr2-96955674-G-C.
Other names: short protein forms L935V.
Identifiers: ClinVar variation 3675226 (VCV003675226.2).